The following is an entry in ClinVar:

NM_001393769.1(MED12L):c.5867C>G (p.Pro1956Arg)

Gene: MED12L (mediator complex subunit 12L; plus strand). Cytogenetic location: 3q25.1.
Variant type: single nucleotide variant.
Coding change: c.5867C>G on transcript NM_001393769.1 (MANE Select); coding-DNA position 5867, C replaced by G.
Protein change: p.Pro1956Arg; replaces proline 1956 with arginine.
Molecular consequence: missense variant.
Genome position (GRCh38, 1-based): chr3:151,409,289, C>G. VCF-style: chr3-151409289-C-G. GRCh37 (hg19) VCF-style: chr3-151127077-C-G.
Other names: p.Pro1956Arg; c.5762C>G, p.Pro1921Arg (NM_053002.6); short protein forms P1921R, P1956R.
Identifiers: ClinVar variation 2444860 (VCV002444860.2), dbSNP rs1347301765, ClinGen allele CA354980529.

ClinVar aggregate classification (germline): Uncertain significance (1 of 4 stars; one submission).

Conditions:
Nizon-Isidor syndrome. Identifiers: MedGen C5394350, MONDO:0030030, OMIM 618872.

Submission:

Foundation for Research in Genetics and Endocrinology, FRIGE's Institute of Human Genetics
Classification: Uncertain significance for Nizon-Isidor syndrome. Last evaluated: 2022-06-13. Review status: criteria provided, single submitter. Criteria: ACMG Guidelines, 2015. Collection method: clinical testing. Allele origin: germline. Inheritance: Autosomal dominant inheritance. Affected: yes. Observed: 1 heterozygote.
Comment: A heterozygous missense variation in exon 40 of the MED12L gene that results in the amino acid substitution of Arginine for Proline at codon 1956 was detected. The observed variant c.5867C>G (p.Pro1956Arg) has not been reported in the 1000 genomes and gnomAD databases. The in silico prediction of the variant are possibly damaging by PolyPhen-2 (HumDiv) and damaging by LRT. The reference codon is conserved across species. In summary, the variant meets our criteria to be classified as variant of uncertain significance.